The following is an entry in ClinVar:

NM_001844.5(COL2A1):c.3991G>A (p.Val1331Ile)

Gene: COL2A1 (collagen type II alpha 1 chain; minus strand). Cytogenetic location: 12q13.11.
Variant type: single nucleotide variant.
Coding change: c.3991G>A on transcript NM_001844.5 (MANE Select); coding-DNA position 3991, G replaced by A.
Protein change: p.Val1331Ile; replaces valine 1331 with isoleucine.
Molecular consequence: missense variant.
Genome position (GRCh38, 1-based): chr12:47,974,758, C>T on the plus strand (G>A on the coding strand, the complement: COL2A1 is on the minus strand). VCF-style: chr12-47974758-C-T. GRCh37 (hg19) VCF-style: chr12-48368541-C-T.
Other names: c.3784G>A, p.Val1262Ile (NM_033150.3); short protein forms V1331I, V1262I.
Identifiers: ClinVar variation 258234 (VCV000258234.33), dbSNP rs12721427, ClinGen allele CA6534584.

ClinVar aggregate classification (germline): Benign/Likely benign. Review status: criteria provided, multiple submitters, no conflicts (2 of 4 stars). 12 submissions from 11 submitters: Benign (9); Likely benign (1). 2 of the submissions do not count toward it. Last evaluated 2026-05-09.

Conditions:
Type 2 collagenopathy. Identifiers: Orphanet 93421, MedGen C2931073, MONDO:0022800.
Stickler syndrome type 1 (STL1). Also called: STICKLER SYNDROME, MEMBRANOUS VITREOUS TYPE; STICKLER SYNDROME, VITREOUS TYPE 1; ARTHROOPHTHALMOPATHY, HEREDITARY PROGRESSIVE; COL2A1-Related Stickler Syndrome. Identifiers: Orphanet 828, Orphanet 90653, MedGen C2020284, MONDO:0007160, OMIM 108300.

Allele frequency attached by ClinVar (database versions not stated): 1000 Genomes Project 0.02556; 1000 Genomes Project 30x 0.02686; TOPMed 0.04559; gnomAD 0.05267 and 0.05396; gnomAD exomes 0.05352; ESP Exome Variant Server 0.05382; ExAC 0.05490.
gnomAD v4.1: 110,526 of 1,614,076 alleles (6.8%); highest among the groups gnomAD compares: Non-Finnish European, 8%; 4,355 homozygotes.

Submissions (12):

Women's Health and Genetics/Laboratory Corporation of America, LabCorp
Classification: Likely benign. Last evaluated: 2026-05-09. Review status: criteria provided, single submitter. Criteria: LabCorp Variant Classification Summary - May 2015. Collection method: clinical testing. Allele origin: germline.

Labcorp Genetics (formerly Invitae), Labcorp
Classification: Benign. Last evaluated: 2026-02-04. Review status: criteria provided, single submitter. Criteria: Invitae Variant Classification Sherloc (09022015). Collection method: clinical testing. Allele origin: germline.

ARUP Laboratories, Molecular Genetics and Genomics, ARUP Laboratories
Classification: Benign. Last evaluated: 2025-06-02. Review status: criteria provided, single submitter. Criteria: ARUP Molecular Germline Variant Investigation Process 2024. Collection method: clinical testing. Allele origin: germline.

Blueprint Genetics
Classification: Benign. Last evaluated: 2024-11-27. Review status: criteria provided, single submitter. Criteria: ACMG Guidelines, 2015. Collection method: clinical testing. Allele origin: germline.

Mayo Clinic Laboratories, Mayo Clinic
Classification: Benign. Last evaluated: 2021-02-22. Review status: criteria provided, single submitter. Criteria: ACMG Guidelines, 2015. Collection method: clinical testing. Allele origin: germline. Observed: 26 variant alleles.

Illumina Laboratory Services, Illumina
Classification: Benign for Stickler syndrome type 1. Last evaluated: 2018-01-13. Review status: criteria provided, single submitter. Criteria: ICSL Variant Classification Criteria 13 December 2019. Collection method: clinical testing. Allele origin: germline.
Comment: This variant was observed in the ICSL laboratory as part of a predisposition screen in an ostensibly healthy population. It had not been previously curated by ICSL or reported in the Human Gene Mutation Database (HGMD: prior to June 1st, 2018), and was therefore a candidate for classification through an automated scoring system. Utilizing variant allele frequency, disease prevalence and penetrance estimates, and inheritance mode, an automated score was calculated to assess if this variant is too frequent to cause the disease. Based on the score and internal cut-off values, a variant classified as benign is not then subjected to further curation. The score for this variant resulted in a classification of benign for this disease.

Illumina Laboratory Services, Illumina
Classification: Benign for Type II Collagenopathies. Last evaluated: 2018-01-13. Review status: criteria provided, single submitter. Criteria: ICSL Variant Classification Criteria 13 December 2019. Collection method: clinical testing. Allele origin: germline.
Comment: the same text as in the submission from Illumina Laboratory Services, Illumina above.

GeneDx
Classification: Benign. Last evaluated: 2016-04-26. Review status: criteria provided, single submitter. Criteria: GeneDx Variant Classification (06012015). Collection method: clinical testing. Allele origin: germline. Affected: yes.
Comment: This variant is considered likely benign or benign based on one or more of the following criteria: it is a conservative change, it occurs at a poorly conserved position in the protein, it is predicted to be benign by multiple in silico algorithms, and/or has population frequency not consistent with disease.

Breakthrough Genomics
Classification: Benign. Review status: criteria provided, single submitter. Criteria: ACMG Guidelines, 2015. Collection method: not provided. Allele origin: germline. Inheritance: Autosomal dominant inheritance. Affected: yes.

PreventionGenetics, part of Exact Sciences
Classification: Benign. Review status: criteria provided, single submitter. Criteria: ACMG Guidelines, 2015. Collection method: clinical testing. Allele origin: germline.

Genome Diagnostics Laboratory, Amsterdam University Medical Center
Classification: Benign. Review status: no assertion criteria provided. Collection method: clinical testing. Allele origin: germline. Affected: yes. Study: VKGL Data-share Consensus. Not counted in ClinVar's aggregate classification.

Joint Genome Diagnostic Labs from Nijmegen and Maastricht, Radboudumc and MUMC+
Classification: Benign. Review status: no assertion criteria provided. Collection method: clinical testing. Allele origin: germline. Affected: yes. Study: VKGL Data-share Consensus. Not counted in ClinVar's aggregate classification.